The following is an entry in ClinVar:

NM_004260.4(RECQL4):c.935G>T (p.Ser312Ile)

Gene: RECQL4 (RecQ like helicase 4; minus strand). Cytogenetic location: 8q24.3.
Variant type: single nucleotide variant.
Coding change: c.935G>T on transcript NM_004260.4 (MANE Select); coding-DNA position 935, G replaced by T.
Protein change: p.Ser312Ile; replaces serine 312 with isoleucine.
Molecular consequence: missense variant. On other transcripts: 5 prime UTR variant (17), non-coding transcript variant (3).
Genome position (GRCh38, 1-based): chr8:144,516,184, C>A on the plus strand (G>T on the coding strand, the complement: RECQL4 is on the minus strand). VCF-style: chr8-144516184-C-A. GRCh37 (hg19) VCF-style: chr8-145741568-C-A.
Other names: c.935G>T, p.Ser312Ile (NM_001413017.1, NM_001413018.1, NM_001413019.1 and 4 more transcripts); c.-137G>T (NM_001413021.1, NM_001413022.1, NM_001413023.1 and 7 more transcripts); c.806G>T, p.Ser269Ile (NM_001413025.1); c.-199G>T (NM_001413027.1, NM_001413030.1, NM_001413031.1 and 2 more transcripts); c.584G>T, p.Ser195Ile (NM_001413029.1); c.-41G>T (NM_001413034.1); c.-406G>T (NM_001413043.1); short protein forms S312I, S269I, S195I.
Identifiers: ClinVar variation 4152354 (VCV004152354.1).
Genomic context (GRCh38, chr8:144,516,184, plus strand): 5'-TTCCCAGCCCTAGCTTGACTGGAGGGGCTGAGTCCGTGGTACCTGGGGTTCGATGGGCTG[C>A]TGCAGGGCTGAGGTGGCTGTGCCTGTACAGGTTCCCCTGGAGGGTCTTCCTCAACTGCTA-3'
Protein context (NP_004251.4, residues 302-322): PVQAQPPQPC[Ser312Ile]SPSNPRYHGL

ClinVar aggregate classification (germline): Uncertain significance (1 of 4 stars; one submission).

Conditions:
Inborn genetic diseases. Identifiers: MedGen C0950123, MeSH D030342.

gnomAD v4.1: 2 of 1,613,458 alleles (0.00012%); highest among the groups gnomAD compares: Non-Finnish European, 0.00017%; no homozygotes.

Submission:

Ambry Genetics
Classification: Uncertain significance for Inborn genetic diseases. Last evaluated: 2025-06-29. Review status: criteria provided, single submitter. Criteria: Ambry Variant Classification Scheme 2023. Collection method: clinical testing. Allele origin: germline.
Comment: The p.S312I variant (also known as c.935G>T), located in coding exon 5 of the RECQL4 gene, results from a G to T substitution at nucleotide position 935. The serine at codon 312 is replaced by isoleucine, an amino acid with dissimilar properties. This amino acid position is conserved. In addition, this alteration is predicted to be tolerated by in silico analysis. Based on the available evidence, the clinical significance of this variant remains unclear.